The following is an entry in ClinVar:

ClinVar aggregate classification (germline): Benign/Likely benign. Review status: criteria provided, multiple submitters, no conflicts (2 of 4 stars). 2 submissions from 2 submitters: Benign (1); Likely benign (1). Last evaluated 2025-01-17.

Conditions:
Familial cancer of breast. Also called: hereditary breast carcinoma; BREAST CANCER, FAMILIAL; Hereditary breast cancer. Identifiers: Orphanet 227535, MedGen C0346153, MONDO:0016419, OMIM 114480. Disease mechanism: loss of function.

Allele frequency attached by ClinVar (database versions not stated): gnomAD exomes below 0.00001.
gnomAD v4.1: 1 of 1,598,082 alleles (0.000063%); highest among the groups gnomAD compares: Non-Finnish European, 0.000086%; no homozygotes.

Submissions (2):

Myriad Genetics, Inc.
Classification: Benign for Familial cancer of breast. Last evaluated: 2025-01-17. Review status: criteria provided, single submitter. Criteria: Myriad Autosomal Dominant, Autosomal Recessive and X-Linked Classification Criteria (2023). Collection method: clinical testing. Allele origin: unknown.
Comment: This variant is considered benign. This variant is a silent/synonymous amino acid change and it is not expected to impact splicing.

Labcorp Genetics (formerly Invitae), Labcorp
Classification: Likely benign for Familial cancer of breast. Last evaluated: 2022-10-07. Review status: criteria provided, single submitter. Criteria: Invitae Variant Classification Sherloc (09022015). Collection method: clinical testing. Allele origin: germline.

NM_024675.4(PALB2):c.2815T>C (p.Leu939=)

Gene: PALB2 (partner and localizer of BRCA2; minus strand). Cytogenetic location: 16p12.2.
Variant type: single nucleotide variant.
Coding change: c.2815T>C on transcript NM_024675.4 (MANE Select); coding-DNA position 2815, T replaced by C.
Protein change: p.Leu939=; no amino-acid change (leucine 939 retained).
Molecular consequence: synonymous variant.
Genome position (GRCh38, 1-based): chr16:23,624,028, A>G on the plus strand (T>C on the coding strand, the complement: PALB2 is on the minus strand). VCF-style: chr16-23624028-A-G. GRCh37 (hg19) VCF-style: chr16-23635349-A-G.
Identifiers: ClinVar variation 800117 (VCV000800117.12), dbSNP rs876658742, ClinGen allele CA494181094.